The following is an entry in ClinVar:

ClinVar aggregate classification (germline): Uncertain significance (1 of 4 stars; one submission).

Conditions:
Combined immunodeficiency due to STK4 deficiency (IMD110). Also called: STK4 DEFICIENCY; MST1 DEFICIENCY; T-cell immunodeficiency, recurrent infections, and autoimmunity with or without cardiac malformations. Identifiers: Orphanet 314689, MedGen C3553943, MONDO:0013934, OMIM 614868.

gnomAD v4.1: 1 of 1,585,514 alleles (0.000063%); highest among the groups gnomAD compares: South Asian, 0.0012%; no homozygotes.

Submission:

Labcorp Genetics (formerly Invitae), Labcorp
Classification: Uncertain significance for Combined immunodeficiency due to STK4 deficiency. Last evaluated: 2020-03-25. Review status: criteria provided, single submitter. Criteria: Invitae Variant Classification Sherloc (09022015). Collection method: clinical testing. Allele origin: germline.
Comment: This sequence change replaces aspartic acid with tyrosine at codon 124 of the STK4 protein (p.Asp124Tyr). The aspartic acid residue is moderately conserved and there is a large physicochemical difference between aspartic acid and tyrosine. This variant is not present in population databases (ExAC no frequency). This variant has not been reported in the literature in individuals with STK4-related conditions. Algorithms developed to predict the effect of missense changes on protein structure and function are either unavailable or do not agree on the potential impact of this missense change (SIFT: "Not Available"; PolyPhen-2: "Benign"; Align-GVGD: "Not Available"). In summary, the available evidence is currently insufficient to determine the role of this variant in disease. Therefore, it has been classified as a Variant of Uncertain Significance.

NM_006282.5(STK4):c.370G>T (p.Asp124Tyr)

Gene: STK4 (serine/threonine kinase 4; plus strand). Cytogenetic location: 20q13.12.
Variant type: single nucleotide variant.
Coding change: c.370G>T on transcript NM_006282.5 (MANE Select); coding-DNA position 370, G replaced by T.
Protein change: p.Asp124Tyr; replaces aspartic acid 124 with tyrosine.
Molecular consequence: missense variant.
Genome position (GRCh38, 1-based): chr20:44,987,141, G>T. VCF-style: chr20-44987141-G-T. GRCh37 (hg19) VCF-style: chr20-43615782-G-T.
Other names: c.370G>T, p.Asp124Tyr (NM_001352385.2); short protein forms D124Y.
Identifiers: ClinVar variation 1008149 (VCV001008149.7), dbSNP rs759942089, ClinGen allele CA409124146.